The following is an entry in ClinVar:

NM_000218.3(KCNQ1):c.563G>C (p.Trp188Ser)

Gene: KCNQ1 (potassium voltage-gated channel subfamily Q member 1; plus strand). Cytogenetic location: 11p15.5.
Variant type: single nucleotide variant.
Coding change: c.563G>C on transcript NM_000218.3 (MANE Select); coding-DNA position 563, G replaced by C.
Protein change: p.Trp188Ser; replaces tryptophan 188 with serine.
Molecular consequence: missense variant.
Genome position (GRCh38, 1-based): chr11:2,570,713, G>C. VCF-style: chr11-2570713-G-C. GRCh37 (hg19) VCF-style: chr11-2591943-G-C.
Other names: c.563G>C, p.Trp188Ser (NM_001406836.1); c.293G>C, p.Trp98Ser (NM_001406837.1); c.182G>C, p.Trp61Ser (NM_181798.2); short protein forms W188S, W61S, W98S.
Identifiers: ClinVar variation 643351 (VCV000643351.4), dbSNP rs1240024663, ClinGen allele CA379129949.

ClinVar aggregate classification (germline): Uncertain significance. Review status: criteria provided, multiple submitters, no conflicts (2 of 4 stars). 2 submissions from 2 submitters: Uncertain significance (2). Last evaluated 2024-02-05.

Conditions:
Long QT syndrome (LQTS). Identifiers: MedGen C0023976, MeSH D008133, MONDO:0002442. Disease mechanism: loss of function. Inheritance: Various modes of inheritance.

Allele frequency attached by ClinVar (database versions not stated): gnomAD exomes below 0.00001.
gnomAD v4.1: 1 of 1,612,286 alleles (0.000062%); highest among the groups gnomAD compares: Admixed American, 0.0017%; no homozygotes.

Submissions (2):

All of Us Research Program, National Institutes of Health
Classification: Uncertain significance for Long QT syndrome. Last evaluated: 2024-02-05. Review status: criteria provided, single submitter. Criteria: ACMG Guidelines, 2015. Collection method: clinical testing. Allele origin: germline. Inheritance: Autosomal dominant inheritance. Observed: 1 variant allele, 1 heterozygote.
Comment: This missense variant replaces tryptophan with serine at codon 188 of the KCNQ1 protein. Computational prediction suggests that this variant may have deleterious impact on protein structure and function (internally defined REVEL score threshold >= 0.7, PMID: 27666373). To our knowledge, functional studies have not been reported for this variant. This variant has not been reported in individuals affected with KCNQ1-related disorders in the literature. This variant has been identified in 1/249450 chromosomes in the general population by the Genome Aggregation Database (gnomAD). The available evidence is insufficient to determine the role of this variant in disease conclusively. Therefore, this variant is classified as a Variant of Uncertain Significance.

This study involves interpretation of variants in research participants for the purpose of population health screening. Participant phenotype was not available at the time of variant classification. Additional details can be found in publication PMID: 35346344, PMCID: PMC8962531

Labcorp Genetics (formerly Invitae), Labcorp
Classification: Uncertain significance for Long QT syndrome. Last evaluated: 2018-07-30. Review status: criteria provided, single submitter. Criteria: Invitae Variant Classification Sherloc (09022015). Collection method: clinical testing. Allele origin: germline.
Comment: This sequence change replaces tryptophan with serine at codon 188 of the KCNQ1 protein (p.Trp188Ser). The tryptophan residue is moderately conserved and there is a large physicochemical difference between tryptophan and serine. This variant is not present in population databases (ExAC no frequency). This variant has not been reported in the literature in individuals with KCNQ1-related disease. Algorithms developed to predict the effect of missense changes on protein structure and function (SIFT, PolyPhen-2, Align-GVGD) all suggest that this variant is likely to be disruptive, but these predictions have not been confirmed by published functional studies and their clinical significance is uncertain. In summary, the available evidence is currently insufficient to determine the role of this variant in disease. Therefore, it has been classified as a Variant of Uncertain Significance.